The following is an entry in ClinVar:

ClinVar aggregate classification (germline): Pathogenic (1 of 4 stars; one submission).

Conditions:
Metachromatic leukodystrophy (MLD). Also called: ARSA DEFICIENCY; CEREBROSIDE SULFATASE DEFICIENCY; METACHROMATIC LEUKOENCEPHALOPATHY; SULFATIDE LIPIDOSIS; Cerebral sclerosis diffuse metachromatic form; Arylsulfatase A Deficiency. Identifiers: Orphanet 512, MedGen C0023522, MONDO:0018868, OMIM 250100.

Submission:

Myriad Genetics, Inc.
Classification: Pathogenic for Metachromatic leukodystrophy. Last evaluated: 2024-08-31. Review status: criteria provided, single submitter. Criteria: Myriad Autosomal Dominant, Autosomal Recessive and X-Linked Classification Criteria (2023). Collection method: clinical testing. Allele origin: unknown.
Comment: NM_000487.5(ARSA):c.672C>G(Y224*) is expected to be pathogenic in the context of metachromatic leukodystrophy. This variant is predicted to lead to an abnormal or absent protein product due to the creation of a premature termination codon in ARSA, a gene where loss-of-function variants are known to be pathogenic. Please note: this variant was assessed in the context of healthy population screening.

NM_000487.6(ARSA):c.672C>G (p.Tyr224Ter)

Gene: ARSA (arylsulfatase A; minus strand). Cytogenetic location: 22q13.33.
Variant type: single nucleotide variant.
Coding change: c.672C>G on transcript NM_000487.6 (MANE Select); coding-DNA position 672, C replaced by G.
Protein change: p.Tyr224Ter; replaces tyrosine 224 with a stop codon.
Molecular consequence: nonsense.
Genome position (GRCh38, 1-based): chr22:50,626,846, G>C on the plus strand (C>G on the coding strand, the complement: ARSA is on the minus strand). VCF-style: chr22-50626846-G-C. GRCh37 (hg19) VCF-style: chr22-51065274-G-C.
Other names: c.672C>G, p.Tyr224Ter (NM_001085425.3, NM_001085426.3, NM_001085427.3); c.414C>G, p.Tyr138Ter (NM_001085428.3, NM_001362782.2); short protein forms Y138*, Y224*.
Identifiers: ClinVar variation 5013510 (VCV005013510.1).